The following is an entry in ClinVar:

ClinVar aggregate classification (germline): Uncertain significance (1 of 4 stars; one submission).

Conditions:
Alstrom syndrome (ALMS). Identifiers: Orphanet 64, MedGen C0268425, MONDO:0008763, OMIM 203800.

Submission:

Labcorp Genetics (formerly Invitae), Labcorp
Classification: Uncertain significance for Alstrom syndrome. Last evaluated: 2024-05-18. Review status: criteria provided, single submitter. Criteria: Invitae Variant Classification Sherloc (09022015). Collection method: clinical testing. Allele origin: germline.
Comment: This sequence change replaces methionine, which is neutral and non-polar, with isoleucine, which is neutral and non-polar, at codon 2943 of the ALMS1 protein (p.Met2943Ile). This variant is not present in population databases (gnomAD no frequency). This variant has not been reported in the literature in individuals affected with ALMS1-related conditions. Experimental studies and prediction algorithms are not available or were not evaluated, and the functional significance of this variant is currently unknown. In summary, the available evidence is currently insufficient to determine the role of this variant in disease. Therefore, it has been classified as a Variant of Uncertain Significance.

NM_001378454.1(ALMS1):c.8826G>A (p.Met2942Ile)

Gene: ALMS1 (ALMS1 centrosome and basal body associated protein; plus strand). Cytogenetic location: 2p13.1.
Variant type: single nucleotide variant.
Coding change: c.8826G>A on transcript NM_001378454.1 (MANE Select); coding-DNA position 8826, G replaced by A.
Protein change: p.Met2942Ile; replaces methionine 2942 with isoleucine.
Molecular consequence: missense variant.
Genome position (GRCh38, 1-based): chr2:73,490,785, G>A. VCF-style: chr2-73490785-G-A. GRCh37 (hg19) VCF-style: chr2-73717912-G-A.
Other names: c.8829G>A, p.Met2943Ile (NM_015120.4); short protein forms M2942I, M2943I.
Identifiers: ClinVar variation 3676026 (VCV003676026.2).